The following is an entry in ClinVar:

NM_015450.3(POT1):c.1793-2A>C

Gene: POT1 (protection of telomeres 1; minus strand). Cytogenetic location: 7q31.33.
Variant type: single nucleotide variant.
Coding change: c.1793-2A>C on transcript NM_015450.3 (MANE Select); the canonical splice acceptor site of the intron before coding-DNA position 1793, A replaced by C.
Molecular consequence: splice acceptor variant.
Genome position (GRCh38, 1-based): chr7:124,824,076, T>G on the plus strand (A>C on the coding strand, the complement: POT1 is on the minus strand). VCF-style: chr7-124824076-T-G. GRCh37 (hg19) VCF-style: chr7-124464130-T-G.
Other names: c.1400-2A>C (NM_001042594.2).
Identifiers: ClinVar variation 4797272 (VCV004797272.1).

ClinVar aggregate classification (germline): Uncertain significance (1 of 4 stars; one submission).

Conditions:
Tumor predisposition syndrome 3 (TPDS3). Also called: Melanoma, cutaneous malignant, susceptibility to, 10; Glioma susceptibility 9; LONG TELOMERE SYNDROME, POT1-RELATED; POT1 Tumor Predisposition. Identifiers: Orphanet 618, MedGen C4014476, MONDO:0014368, OMIM 615848.

Submission:

Labcorp Genetics (formerly Invitae), Labcorp
Classification: Uncertain significance for Tumor predisposition syndrome 3. Last evaluated: 2026-01-16. Review status: criteria provided, single submitter. Criteria: Invitae Variant Classification Sherloc (09022015). Collection method: clinical testing. Allele origin: germline.
Comment: This sequence change affects an acceptor splice site in intron 18 of the POT1 gene. RNA analysis indicates that disruption of this splice site induces altered splicing and likely disrupts the C-terminus of the protein. This variant is not present in population databases (gnomAD no frequency). This variant has not been reported in the literature in individuals affected with POT1-related conditions. Variants that disrupt the consensus splice site are a relatively common cause of aberrant splicing (PMID: 17576681, 9536098). Studies have shown that disruption of this splice site results in skipping of exon 19 and introduces a new termination codon (internal data). However the mRNA is not expected to undergo nonsense-mediated decay. In summary, the available evidence is currently insufficient to determine the role of this variant in disease. Therefore, it has been classified as a Variant of Uncertain Significance.

Literature cited by the submitters: PubMed 17576681; PubMed 9536098.